The following is an entry in ClinVar:

ClinVar aggregate classification (germline): Uncertain significance (1 of 4 stars; one submission).

Conditions:
Adenylosuccinate lyase deficiency (ADSLD). Also called: ADSL DEFICIENCY. Identifiers: Orphanet 46, MedGen C0268126, MONDO:0007068, OMIM 103050.

Submission:

Labcorp Genetics (formerly Invitae), Labcorp
Classification: Uncertain significance for Adenylosuccinate lyase deficiency. Last evaluated: 2022-07-05. Review status: criteria provided, single submitter. Criteria: Invitae Variant Classification Sherloc (09022015). Collection method: clinical testing. Allele origin: germline.
Comment: This variant occurs in a non-coding region of the ADSL gene. It does not change the encoded amino acid sequence of the ADSL protein. This variant is not present in population databases (gnomAD no frequency). This variant has not been reported in the literature in individuals affected with ADSL-related conditions. Experimental studies and prediction algorithms are not available or were not evaluated, and the functional significance of this variant is currently unknown. In summary, the available evidence is currently insufficient to determine the role of this variant in disease. Therefore, it has been classified as a Variant of Uncertain Significance.

NC_000022.11:g.40345473G>A

Gene: ADSL (adenylosuccinate lyase; plus strand). Cytogenetic location: 22q13.1.
Variant type: single nucleotide variant.
Genome position: GRCh38 VCF-style: chr22-40345473-G-A. GRCh37 (hg19) VCF-style: chr22-40741477-G-A.
Identifiers: ClinVar variation 1403694 (VCV001403694.3), dbSNP rs934394588, ClinGen allele CA324446202.